The following is an entry in ClinVar:

ClinVar aggregate classification (germline): Uncertain significance (1 of 4 stars; one submission).

Submission:

GeneDx
Classification: Uncertain significance. Last evaluated: 2024-06-14. Review status: criteria provided, single submitter. Criteria: GeneDx Variant Classification Process June 2021. Collection method: clinical testing. Allele origin: germline. Affected: yes.
Comment: Not observed at significant frequency in large population cohorts (gnomAD); In-frame deletion of 1 amino acids in a non-repeat region; In silico analysis supports a deleterious effect on protein structure/function; Has not been previously published as pathogenic or benign to our knowledge

NM_001080517.3(SETD5):c.2336_2338del (p.Ser779del)

Gene: SETD5 (SET domain containing 5; plus strand). Cytogenetic location: 3p25.3.
Variant type: Deletion.
Coding change: c.2336_2338del on transcript NM_001080517.3 (MANE Select); coding-DNA positions 2336 to 2338, 3 bases deleted (CCT; older notation c.2336_2338delCCT).
Protein change: p.Ser779del; deletes serine 779.
Genome position (GRCh38, 1-based): chr3:9,448,620-9,448,622, CCT deleted; deleting any 3 consecutive bases within chr3:9,448,618-9,448,622 gives the same sequence; the c. name uses the placement nearest the transcript's 3' end. VCF-style (leftmost placement, unchanged base first): chr3-9448617-GCTC-G. GRCh37 (hg19) VCF-style: chr3-9490301-GCTC-G.
Other names: c.2042_2044del, p.Ser681del (NM_001292043.2, NM_001349451.2); short protein forms S681del, S779del.
Identifiers: ClinVar variation 3391691 (VCV003391691.1).